The following is an entry in ClinVar:

ClinVar aggregate classification (germline): Benign. Review status: criteria provided, multiple submitters, no conflicts (2 of 4 stars). 2 submissions from 2 submitters: Benign (2). Last evaluated 2018-06-14.

Allele frequency attached by ClinVar (database versions not stated): 1000 Genomes Project 30x 0.67255; 1000 Genomes Project 0.67452; TOPMed 0.73995; gnomAD 0.75479 and 0.75584; gnomAD exomes 0.82045.
gnomAD v4.1: 1,152,414 of 1,417,896 alleles (81%); highest among the groups gnomAD compares: Non-Finnish European, 86%; 473,984 homozygotes.

Submissions (2):

GeneDx
Classification: Benign. Last evaluated: 2018-06-14. Review status: criteria provided, single submitter. Criteria: GeneDx Variant Classification (06012015). Collection method: clinical testing. Allele origin: germline. Affected: yes.
Comment: This variant is considered likely benign or benign based on one or more of the following criteria: it is a conservative change, it occurs at a poorly conserved position in the protein, it is predicted to be benign by multiple in silico algorithms, and/or has population frequency not consistent with disease.

Breakthrough Genomics
Classification: Benign. Review status: criteria provided, single submitter. Criteria: ACMG Guidelines, 2015. Collection method: not provided. Allele origin: germline. Inheritance: Autosomal dominant inheritance. Affected: yes.

NM_001844.5(COL2A1):c.1023+84C>A

Gene: COL2A1 (collagen type II alpha 1 chain; minus strand). Cytogenetic location: 12q13.11.
Variant type: single nucleotide variant.
Coding change: c.1023+84C>A on transcript NM_001844.5 (MANE Select); 84 bases into the intron after coding-DNA position 1023, C replaced by A.
Molecular consequence: intron variant.
Genome position (GRCh38, 1-based): chr12:47,992,794, G>T on the plus strand (C>A on the coding strand, the complement: COL2A1 is on the minus strand). VCF-style: chr12-47992794-G-T. GRCh37 (hg19) VCF-style: chr12-48386577-G-T.
Other names: c.816+84C>A (NM_033150.3).
Identifiers: ClinVar variation 674981 (VCV000674981.2), dbSNP rs1793915, ClinGen allele CA13588316.